The following is an entry in ClinVar:

NM_006279.5(ST3GAL3):c.990C>T (p.Asn330=)

Gene: ST3GAL3 (ST3 beta-galactoside alpha-2,3-sialyltransferase 3; plus strand). Cytogenetic location: 1p34.1.
Variant type: single nucleotide variant.
Coding change: c.990C>T on transcript NM_006279.5 (MANE Select); coding-DNA position 990, C replaced by T.
Protein change: p.Asn330=; no amino-acid change (asparagine 330 retained).
Molecular consequence: synonymous variant. On other transcripts: non-coding transcript variant (6), intron variant (11).
Genome position (GRCh38, 1-based): chr1:43,920,880, C>T. VCF-style: chr1-43920880-C-T. GRCh37 (hg19) VCF-style: chr1-44386552-C-T.
Other names: c.900C>T, p.Asn300= (NM_001270459.2); c.897C>T, p.Asn299= (NM_001270460.2); c.1035C>T, p.Asn345= (NM_001350619.2, NM_174964.4); c.990C>T, p.Asn330= (NM_001350620.2); c.711C>T, p.Asn237= (NM_001350621.2); c.1197C>T, p.Asn399= (NM_174963.5); c.1152C>T, p.Asn384= (NM_174968.5); c.942C>T, p.Asn314= (NM_174969.4); and 13 more.
Identifiers: ClinVar variation 212313 (VCV000212313.16), dbSNP rs773763812, ClinGen allele CA206600.

ClinVar aggregate classification (germline): Conflicting classifications of pathogenicity. Review status: criteria provided, conflicting classifications (1 of 4 stars). 3 submissions from 3 submitters: Uncertain significance (1); Likely benign (1). 1 of the submissions does not count toward it. Last evaluated 2022-03-04.

Conditions:
Early-infantile DEE. Also called: Ohtahara syndrome; Early infantile epileptic encephalopathy; Early infantile epileptic encephalopathy with suppression bursts. Identifiers: Orphanet 1934, MedGen C0393706, MONDO:0800491.
ST3GAL3-related disorder. Also called: ST3GAL3-related condition; ST3GAL3-Related Disorders.

Allele frequency attached by ClinVar (database versions not stated): TOPMed below 0.00001; gnomAD exomes 0.00002; ExAC 0.00003.
gnomAD v4.1: 16 of 1,614,108 alleles (0.00099%); highest among the groups gnomAD compares: South Asian, 0.0088%; no homozygotes.

Submissions (3):

Labcorp Genetics (formerly Invitae), Labcorp
Classification: Likely benign for Early-infantile DEE. Last evaluated: 2022-03-04. Review status: criteria provided, single submitter. Criteria: Invitae Variant Classification Sherloc (09022015). Collection method: clinical testing. Allele origin: germline.

Genetic Services Laboratory, University of Chicago
Classification: Uncertain significance. Last evaluated: 2015-05-06. Review status: criteria provided, single submitter. Criteria: ACMG Guidelines, 2015. Collection method: clinical testing. Allele origin: germline.

PreventionGenetics, part of Exact Sciences
Classification: Likely benign for ST3GAL3-related condition. Last evaluated: 2019-04-12. Review status: no assertion criteria provided. Collection method: clinical testing. Allele origin: germline. Not counted in ClinVar's aggregate classification.
Comment: This variant is classified as likely benign based on ACMG/AMP sequence variant interpretation guidelines (Richards et al. 2015 PMID: 25741868, with internal and published modifications).